The following is an entry in ClinVar:

NM_024675.4(PALB2):c.2630G>T (p.Trp877Leu)

Gene: PALB2 (partner and localizer of BRCA2; minus strand). Cytogenetic location: 16p12.2.
Variant type: single nucleotide variant.
Coding change: c.2630G>T on transcript NM_024675.4 (MANE Select); coding-DNA position 2630, G replaced by T.
Protein change: p.Trp877Leu; replaces tryptophan 877 with leucine.
Molecular consequence: missense variant. On other transcripts: intron variant (3).
Genome position (GRCh38, 1-based): chr16:23,626,354, C>A on the plus strand (G>T on the coding strand, the complement: PALB2 is on the minus strand). VCF-style: chr16-23626354-C-A. GRCh37 (hg19) VCF-style: chr16-23637675-C-A.
Other names: c.2570G>T, p.Trp857Leu (NM_001407296.1); c.2558G>T, p.Trp853Leu (NM_001407297.1); c.2630G>T, p.Trp877Leu (NM_001407299.1, NM_001407300.1, NM_001407301.1); c.1745G>T, p.Trp582Leu (NM_001407304.1, NM_001407305.1, NM_001407306.1 and 4 more transcripts); c.842G>T, p.Trp281Leu (NM_001407312.1, NM_001407313.1); c.164G>T, p.Trp55Leu (NM_001407314.1); c.2587-2260G>T (NM_001407302.1, NM_001407298.1); c.1702-2260G>T (NM_001407307.1); short protein forms W877L, W582L, W281L, W853L, W55L, W857L.
Identifiers: ClinVar variation 3885224 (VCV003885224.1).

ClinVar aggregate classification (germline): Uncertain significance (1 of 4 stars; one submission).

Conditions:
Hereditary cancer-predisposing syndrome. Also called: Tumor predisposition; Neoplastic Syndromes, Hereditary; Hereditary Cancer Syndrome; Hereditary neoplastic syndrome. Identifiers: Orphanet 140162, MedGen C0027672, MeSH D009386, MONDO:0015356.

Submission:

Ambry Genetics
Classification: Uncertain significance for Hereditary cancer-predisposing syndrome. Last evaluated: 2025-02-22. Review status: criteria provided, single submitter. Criteria: Ambry Variant Classification Scheme 2023. Collection method: clinical testing. Allele origin: germline.
Comment: The p.W877L variant (also known as c.2630G>T), located in coding exon 7 of the PALB2 gene, results from a G to T substitution at nucleotide position 2630. The tryptophan at codon 877 is replaced by leucine, an amino acid with similar properties. This amino acid position is conserved. In addition, the in silico prediction for this alteration is inconclusive. Based on the available evidence, the clinical significance of this variant remains unclear.